The following is an entry in ClinVar:

ClinVar aggregate classification (germline): Uncertain significance (1 of 4 stars; one submission).

Conditions:
Familial thoracic aortic aneurysm and aortic dissection (TAAD). Also called: Thoracic aortic aneurysms and dissections. Identifiers: Orphanet 91387, MedGen C4707243, MONDO:0019625.

Submission:

Labcorp Genetics (formerly Invitae), Labcorp
Classification: Uncertain significance for Familial thoracic aortic aneurysm and aortic dissection. Last evaluated: 2019-01-21. Review status: criteria provided, single submitter. Criteria: Invitae Variant Classification Sherloc (09022015). Collection method: clinical testing. Allele origin: germline.
Comment: This variant is a gross duplication of the genomic region encompassing exons 6-9 of the SMAD3 gene. The 5' boundary is likely confined to intron 5. The 3' end of this event is unknown as it extends beyond the assayed region for this gene and therefore may encompass additional genes. This variant has not been reported in the literature in individuals with SMAD3-related disease. In summary, the available evidence is currently insufficient to determine the role of this variant in disease. Therefore, it has been classified as a Variant of Uncertain Significance.

NC_000015.9:g.(?_67473569)_(67482884_?)dup

Gene: SMAD3 (SMAD family member 3; plus strand). Cytogenetic location: 15q22.33.
Variant type: Duplication.
Identifiers: ClinVar variation 649079 (VCV000649079.3).